The following is an entry in ClinVar:

ClinVar aggregate classification (germline): Pathogenic/Likely pathogenic. Review status: criteria provided, multiple submitters, no conflicts (2 of 4 stars). 2 submissions from 2 submitters: Pathogenic (1); Likely pathogenic (1). Last evaluated 2023-08-29.

Conditions:
Autosomal recessive nonsyndromic hearing loss 18A. Also called: Deafness, autosomal recessive 18A; DEAFNESS, AUTOSOMAL RECESSIVE 18. Identifiers: Orphanet 90636, MedGen C1865870, MONDO:0011192, OMIM 602092.

Submissions (2):

Labcorp Genetics (formerly Invitae), Labcorp
Classification: Pathogenic. Last evaluated: 2023-08-29. Review status: criteria provided, single submitter. Criteria: Invitae Variant Classification Sherloc (09022015). Collection method: clinical testing. Allele origin: germline.
Comment: For these reasons, this variant has been classified as Pathogenic. This variant has not been reported in the literature in individuals affected with USH1C-related conditions. This variant is not present in population databases (gnomAD no frequency). This sequence change creates a premature translational stop signal (p.Asp24Thrfs*23) in the USH1C gene. It is expected to result in an absent or disrupted protein product. Loss-of-function variants in USH1C are known to be pathogenic (PMID: 10973247, 17407589, 20301442, 21203349).

Baylor Genetics
Classification: Likely pathogenic for Autosomal recessive nonsyndromic hearing loss 18A. Last evaluated: 2023-03-16. Review status: criteria provided, single submitter. Criteria: ACMG Guidelines, 2015. Collection method: clinical testing. Allele origin: unknown.

Literature cited by the submitters: PubMed 10973247 (cited by Labcorp Genetics (formerly Invitae), Labcorp); PubMed 17407589 (cited by Labcorp Genetics (formerly Invitae), Labcorp); PubMed 20301442 (cited by Labcorp Genetics (formerly Invitae), Labcorp); PubMed 21203349 (cited by Labcorp Genetics (formerly Invitae), Labcorp).

NM_153676.4(USH1C):c.70del (p.Asp24fs)

Gene: USH1C (USH1 protein network component harmonin; minus strand). Cytogenetic location: 11p15.1.
Variant type: Deletion.
Coding change: c.70del on transcript NM_153676.4 (MANE Select); coding-DNA position 70, one base deleted (G; older notation c.70delG).
Protein change: p.Asp24fs; shifts the reading frame from aspartic acid 24.
Molecular consequence: frameshift variant. On other transcripts: non-coding transcript variant (1).
Genome position (GRCh38, 1-based): chr11:17,533,289, C deleted on the plus strand (G on the coding strand, the reverse complement: USH1C is on the minus strand); the first of 2 consecutive C bases (chr11:17,533,289-17,533,290); deleting either gives the same sequence. VCF-style (leftmost placement, unchanged base first): chr11-17533288-TC-T. GRCh37 (hg19) VCF-style: chr11-17554835-TC-T.
Other names: c.70del, p.Asp24fs (NM_001297764.2, NM_005709.4); short protein forms D24fs.
Identifiers: ClinVar variation 2679426 (VCV002679426.4), dbSNP rs2497241574, ClinGen allele CA2612679221.
Genomic context (GRCh38, chr11:17,533,288, plus strand): 5'-CACAAGAGCTGGACCCAGCACACTTACTGGTGGTACATTCGCAGCACATCATAGAGATAG[TC>T]CTTCTCTGCATCATTTTCAATCAGAAAATCCACCTGGAAAATCCAATAGCAGAATCACAG-3'